The following is an entry in ClinVar:

ClinVar aggregate classification (germline): Pathogenic (1 of 4 stars; one submission).

Conditions:
Developmental and epileptic encephalopathy, 9 (DEE9). Also called: Early infantile epileptic encephalopathy 9; PCDH19-Related X-Linked Female-Limited Epilepsy with Mental Retardation; EPILEPSY, FEMALE-RESTRICTED, WITH MENTAL RETARDATION; JUBERG-HELLMAN SYNDROME. Identifiers: Orphanet 101039, Orphanet 2076, MedGen C1848137, MONDO:0010246, OMIM 300088. Disease mechanism: loss of function.

Submission:

Labcorp Genetics (formerly Invitae), Labcorp
Classification: Pathogenic for Developmental and epileptic encephalopathy, 9. Last evaluated: 2020-06-07. Review status: criteria provided, single submitter. Criteria: Invitae Variant Classification Sherloc (09022015). Collection method: clinical testing. Allele origin: germline.
Comment: This sequence change creates a premature translational stop signal (p.Ala547Valfs*24) in the PCDH19 gene. It is expected to result in an absent or disrupted protein product. This variant is not present in population databases (ExAC no frequency). This variant has not been reported in the literature in individuals with PCDH19-related conditions. Loss-of-function variants in PCDH19 are known to be pathogenic (PMID: 21053371). For these reasons, this variant has been classified as Pathogenic.

Literature cited by the submitters: PubMed 21053371.

NM_001184880.2(PCDH19):c.1640delinsTA (p.Ala547fs)

Gene: PCDH19 (protocadherin 19; minus strand). Cytogenetic location: Xq22.1.
Variant type: Indel.
Coding change: c.1640delinsTA on transcript NM_001184880.2 (MANE Select); coding-DNA position 1640, C replaced by TA.
Protein change: p.Ala547fs; shifts the reading frame from alanine 547.
Molecular consequence: frameshift variant.
Genome position (GRCh38, 1-based): chrX:100,406,958, G replaced by TA on the plus strand (C replaced by TA on the coding strand, the reverse complement: PCDH19 is on the minus strand). VCF-style: chrX-100406958-G-TA. GRCh37 (hg19) VCF-style: chrX-99661956-G-TA.
Other names: c.1640delinsTA, p.Ala547fs (NM_001105243.2, NM_020766.3); short protein forms A547fs.
Identifiers: ClinVar variation 971886 (VCV000971886.9), dbSNP rs1928375176, ClinGen allele CA1139667038.